The following is an entry in ClinVar:

NM_001792.5(CDH2):c.2267A>G (p.Lys756Arg)

Gene: CDH2 (cadherin 2; minus strand). Cytogenetic location: 18q12.1.
Variant type: single nucleotide variant.
Coding change: c.2267A>G on transcript NM_001792.5 (MANE Select); coding-DNA position 2267, A replaced by G.
Protein change: p.Lys756Arg; replaces lysine 756 with arginine.
Molecular consequence: missense variant.
Genome position (GRCh38, 1-based): chr18:27,983,026, T>C on the plus strand (A>G on the coding strand, the complement: CDH2 is on the minus strand). VCF-style: chr18-27983026-T-C. GRCh37 (hg19) VCF-style: chr18-25562990-T-C.
Other names: c.2174A>G, p.Lys725Arg (NM_001308176.2); short protein forms K725R, K756R.
Identifiers: ClinVar variation 4727726 (VCV004727726.1).
Genomic context (GRCh38, chr18:27,983,026, plus strand): 5'-TCTTCATCATATTTTAAAATATTATCTCTTACATCATCTTCTGGATCAATTAAAAGTTGT[T>C]TGGCCTGGCGTTCTTTATCCCGGCGTTTCATCCATACCACAAACATCAGCACAAGGACTA-3'
Protein context (NP_001783.2, residues 746-766): MKRRDKERQA[Lys756Arg]QLLIDPEDDV

ClinVar aggregate classification (germline): Uncertain significance (1 of 4 stars; one submission).

gnomAD v4.1: 1 of 1,612,872 alleles (0.000062%); highest among the groups gnomAD compares: Non-Finnish European, 0.000085%; no homozygotes.

Submission:

Labcorp Genetics (formerly Invitae), Labcorp
Classification: Uncertain significance. Last evaluated: 2025-09-23. Review status: criteria provided, single submitter. Criteria: Invitae Variant Classification Sherloc (09022015). Collection method: clinical testing. Allele origin: germline.
Comment: This sequence change replaces lysine, which is basic and polar, with arginine, which is basic and polar, at codon 756 of the CDH2 protein (p.Lys756Arg). This variant is not present in population databases (gnomAD no frequency). This variant has not been reported in the literature in individuals affected with CDH2-related conditions. An algorithm developed to predict the effect of missense changes on protein structure and function (PolyPhen-2) suggests that this variant is likely to be disruptive. In summary, the available evidence is currently insufficient to determine the role of this variant in disease. Therefore, it has been classified as a Variant of Uncertain Significance.